The following is an entry in ClinVar:

NM_007187.5(WBP4):c.567C>T (p.Ser189=)

Gene: WBP4 (WW domain binding protein 4; plus strand). Cytogenetic location: 13q14.11.
Variant type: single nucleotide variant.
Coding change: c.567C>T on transcript NM_007187.5 (MANE Select); coding-DNA position 567, C replaced by T.
Protein change: p.Ser189=; no amino-acid change (serine 189 retained).
Molecular consequence: synonymous variant.
Genome position (GRCh38, 1-based): chr13:41,076,048, C>T. VCF-style: chr13-41076048-C-T. GRCh37 (hg19) VCF-style: chr13-41650184-C-T.
Identifiers: ClinVar variation 5018564 (VCV005018564.2).

ClinVar aggregate classification (germline): Uncertain significance (1 of 4 stars; one submission).

Conditions:
Neurodevelopmental disorder with hypotonia, feeding difficulties, facial dysmorphism, and brain abnormalities. Identifiers: MedGen C5935629, MONDO:0971043, OMIM 620852.

Submission:

Juno Genomics, Hangzhou Juno Genomics, Inc
Classification: Uncertain significance for Neurodevelopmental disorder with hypotonia, feeding difficulties, facial dysmorphism, and brain abnormalities. Review status: criteria provided, single submitter. Criteria: ACMG Guidelines, 2015. Collection method: clinical testing. Allele origin: germline.
Comment: Absent from controls (or at extremely low frequency if recessive) in Genome Aggregation Database.;Multiple lines of computational evidence support a deleterious effect on the gene or gene product.